The following is an entry in ClinVar:

NM_001005242.3(PKP2):c.1846C>T (p.Gln616Ter)

Gene: PKP2 (plakophilin 2; minus strand). Cytogenetic location: 12p11.21.
Variant type: single nucleotide variant.
Coding change: c.1846C>T on transcript NM_001005242.3 (MANE Select); coding-DNA position 1846, C replaced by T.
Protein change: p.Gln616Ter; replaces glutamine 616 with a stop codon.
Molecular consequence: nonsense.
Genome position (GRCh38, 1-based): chr12:32,821,523, G>A on the plus strand (C>T on the coding strand, the complement: PKP2 is on the minus strand). VCF-style: chr12-32821523-G-A. GRCh37 (hg19) VCF-style: chr12-32974457-G-A.
Other names: c.1978C>T, p.Gln660Ter (NM_004572.4); short protein forms Q660*, Q616*.
Identifiers: ClinVar variation 661424 (VCV000661424.19), dbSNP rs762753884, ClinGen allele CA031949.

ClinVar aggregate classification (germline): Pathogenic. Review status: criteria provided, multiple submitters, no conflicts (2 of 4 stars). 6 submissions from 6 submitters: Pathogenic (6). Last evaluated 2026-01-26.

Conditions:
Cardiomyopathy (CMYO). Also called: Cardiomyopathies. Identifiers: Orphanet 167848, MedGen C0878544, MONDO:0004994, HP:0001638. Inheritance: Various modes of inheritance.
Arrhythmogenic right ventricular dysplasia 9 (ARVD9). Also called: ARRHYTHMOGENIC RIGHT VENTRICULAR DYSPLASIA, FAMILIAL, 9; Arrhythmogenic Right Ventricular Dysplasia/Cardiomyopathy 9. Identifiers: MedGen C1836906, MONDO:0012180, OMIM 609040.
PKP2-related disorder. Also called: PKP2-related condition.
Arrhythmogenic right ventricular cardiomyopathy (ARVD). Also called: Cardiomyopathy, ARVC; Arrhythmogenic cardiomyopathy; Arrhythmogenic right ventricular dysplasia; Arrhythmogenic Right Ventricular Cardiomyopathy (ARVC). Identifiers: Orphanet 247, MedGen C0349788, MeSH D019571, MONDO:0016587. Disease mechanism: loss of function. Inheritance: Various modes of inheritance.

Allele frequency attached by ClinVar (database versions not stated): gnomAD exomes below 0.00001; ExAC 0.00001; gnomAD 0.00001.
gnomAD v4.1: 3 of 1,613,820 alleles (0.00019%); highest among the groups gnomAD compares: East Asian, 0.0045%; no homozygotes.

Submissions (6):

Medical and Scientific Branch, Hong Kong Genome Institute
Classification: Pathogenic for Arrhythmogenic right ventricular dysplasia 9. Last evaluated: 2026-01-26. Review status: criteria provided, single submitter. Criteria: ACMG Guidelines, 2015. Collection method: clinical testing. Allele origin: unknown. Affected: yes.

Labcorp Genetics (formerly Invitae), Labcorp
Classification: Pathogenic for Arrhythmogenic right ventricular dysplasia 9. Last evaluated: 2025-12-09. Review status: criteria provided, single submitter. Criteria: Invitae Variant Classification Sherloc (09022015). Collection method: clinical testing. Allele origin: germline.
Comment: This sequence change creates a premature translational stop signal (p.Gln660*) in the PKP2 gene. It is expected to result in an absent or disrupted protein product. Loss-of-function variants in PKP2 are known to be pathogenic (PMID: 15489853, 17041889, 23911551). This variant is present in population databases (rs762753884, gnomAD 0.01%). This premature translational stop signal has been observed in individual(s) with arrhythmogenic right ventricular cardiomyopathy (PMID: 20152563, 29497013). ClinVar contains an entry for this variant (Variation ID: 661424). For these reasons, this variant has been classified as Pathogenic.

Blueprint Genetics
Classification: Pathogenic for PKP2-related disorders. Last evaluated: 2024-09-10. Review status: criteria provided, single submitter. Criteria: ACMG Guidelines, 2015. Collection method: clinical testing. Allele origin: germline. Affected: yes. Observed: 1 variant allele.

All of Us Research Program, National Institutes of Health
Classification: Pathogenic for Arrhythmogenic right ventricular cardiomyopathy. Last evaluated: 2024-01-05. Review status: criteria provided, single submitter. Criteria: ACMG Guidelines, 2015. Collection method: clinical testing. Allele origin: germline. Inheritance: Autosomal dominant inheritance. Observed: 1 variant allele, 1 heterozygote.
Comment: The c.1978C>T (p.Gln660*) variant in exon 10 of PKP2 gene, that encodes for plakophilin 2, creates a premature termination codon that is predicted to result in an absent or truncated protein product. This variant has been reported in at least 5 individuals with arrhythmogenic right ventricular cardiomyopathy (ARVC) (PMID: 20152563, 24125834, 34469894, 30699244) and in an individual with complex tachycardia (PMID: 29497013). Loss-of-function variants in the PKP2 gene are known to be pathogenic (ClinGen dosage sensitivity score 3, PMID: 23911551, 15489853, 24704780, 29038103, 34120153). Loss-of-function variants downstream of this variant are reported to be pathogenic in multiple individuals with ARVC (PMID: 23354045, 24967631, 25971409, 26590176) and classified as pathogenic by several submitters in ClinVar (ID: 45054, 202022). This variant is rare (2/282690; 0.000007075) in the general population database gnomAD and classified as pathogenic in ClinVar submitters (ID: 661424). Therefore, the c.1978C>T (p.Gln660*) variant in the PKP2 gene is classified as pathogenic.

This study involves interpretation of variants in research participants for the purpose of population health screening. Participant phenotype was not available at the time of variant classification. Additional details can be found in publication PMID: 35346344, PMCID: PMC8962531

Color Diagnostics, LLC DBA Color Health
Classification: Pathogenic for Cardiomyopathy. Last evaluated: 2021-09-21. Review status: criteria provided, single submitter. Criteria: ACMG Guidelines, 2015. Collection method: clinical testing. Allele origin: germline.
Comment: This variant changes 1 nucleotide in exon 10 of the PKP2 gene, creating a premature translation stop signal. This variant is expected to result in an absent or non-functional protein product. This variant has been reported in individuals affected with arrhythmogenic right ventricular cardiomyopathy (PMID: 20152563, 24125834) and tachycardia (PMID: 29497013). This variant has been identified in 2/282690 chromosomes in the general population by the Genome Aggregation Database (gnomAD). Loss of PKP2 function is a known mechanism of disease. Based on the available evidence, this variant is classified as Pathogenic.

Juno Genomics, Hangzhou Juno Genomics, Inc
Classification: Pathogenic for Arrhythmogenic right ventricular dysplasia 9. Review status: criteria provided, single submitter. Criteria: ACMG Guidelines, 2015. Collection method: clinical testing. Allele origin: germline.
Comment: Absent from controls (or at extremely low frequency if recessive) in Genome Aggregation Database.;Null variant in a gene where loss of function (LOF) is a known mechanism of disease.;The prevalence of the variant in affected individuals is significantly increased compared to the prevalence in controls.

Literature cited by the submitters: PubMed 15489853 (cited by Labcorp Genetics (formerly Invitae), Labcorp and All of Us Research Program, National Institutes of Health); PubMed 17041889 (cited by Labcorp Genetics (formerly Invitae), Labcorp); PubMed 23911551 (cited by Labcorp Genetics (formerly Invitae), Labcorp and All of Us Research Program, National Institutes of Health); PubMed 20152563 (cited by 3 submitters); PubMed 29497013 (cited by 3 submitters); PubMed 23354045 (cited by All of Us Research Program, National Institutes of Health); PubMed 24125834 (cited by All of Us Research Program, National Institutes of Health and Color Diagnostics, LLC DBA Color Health); PubMed 24704780 (cited by All of Us Research Program, National Institutes of Health); PubMed 24967631 (cited by All of Us Research Program, National Institutes of Health); PubMed 25971409 (cited by All of Us Research Program, National Institutes of Health); PubMed 26590176 (cited by All of Us Research Program, National Institutes of Health); PubMed 29038103 (cited by All of Us Research Program, National Institutes of Health); PubMed 30699244 (cited by All of Us Research Program, National Institutes of Health); PubMed 34120153 (cited by All of Us Research Program, National Institutes of Health); PubMed 34469894 (cited by All of Us Research Program, National Institutes of Health).